The following is an entry in ClinVar:

ClinVar aggregate classification (germline): Uncertain significance (1 of 4 stars; one submission).

Conditions:
Duchenne muscular dystrophy (DMD). Also called: MUSCULAR DYSTROPHY, PSEUDOHYPERTROPHIC PROGRESSIVE, DUCHENNE TYPE; Duchenne Muscular Dystrophy (DMD). Identifiers: Orphanet 98896, MedGen C0013264, MONDO:0010679, OMIM 310200.

Submission:

Labcorp Genetics (formerly Invitae), Labcorp
Classification: Uncertain significance for Duchenne muscular dystrophy. Last evaluated: 2023-08-16. Review status: criteria provided, single submitter. Criteria: Invitae Variant Classification Sherloc (09022015). Collection method: clinical testing. Allele origin: germline.
Comment: In summary, the available evidence is currently insufficient to determine the role of this variant in disease. Therefore, it has been classified as a Variant of Uncertain Significance. Advanced modeling of protein sequence and biophysical properties (such as structural, functional, and spatial information, amino acid conservation, physicochemical variation, residue mobility, and thermodynamic stability) performed at Invitae indicates that this missense variant is not expected to disrupt DMD protein function. This variant has not been reported in the literature in individuals affected with DMD-related conditions. This variant is not present in population databases (gnomAD no frequency). This sequence change replaces aspartic acid, which is acidic and polar, with asparagine, which is neutral and polar, at codon 1703 of the DMD protein (p.Asp1703Asn).

NM_004006.3(DMD):c.5107G>A (p.Asp1703Asn)

Gene: DMD (dystrophin; minus strand). Cytogenetic location: Xp21.1.
Variant type: single nucleotide variant.
Coding change: c.5107G>A on transcript NM_004006.3 (MANE Select); coding-DNA position 5107, G replaced by A.
Protein change: p.Asp1703Asn; replaces aspartic acid 1703 with asparagine.
Molecular consequence: missense variant.
Genome position (GRCh38, 1-based): chrX:32,364,629, C>T on the plus strand (G>A on the coding strand, the complement: DMD is on the minus strand). VCF-style: chrX-32364629-C-T. GRCh37 (hg19) VCF-style: chrX-32382746-C-T.
Other names: c.5083G>A, p.Asp1695Asn (NM_000109.4); c.5095G>A, p.Asp1699Asn (NM_004009.3); c.4738G>A, p.Asp1580Asn (NM_004010.3); c.1084G>A, p.Asp362Asn (NM_004011.4); c.1075G>A, p.Asp359Asn (NM_004012.4); short protein forms D1580N, D1695N, D362N, D1699N, D1703N, D359N.
Identifiers: ClinVar variation 2999424 (VCV002999424.3), dbSNP rs2147253191, ClinGen allele CA412671517.